The following is an entry in ClinVar:

ClinVar aggregate classification (germline): Pathogenic (1 of 4 stars; one submission).

Conditions:
Hereditary breast ovarian cancer syndrome. Also called: Hereditary breast and ovarian cancer syndrome (HBOC); Breast and ovarian cancer; Hereditary breast and/or ovarian cancer syndrome; BRCA1- and BRCA2-Associated Hereditary Breast and Ovarian Cancer; Hereditary breast and ovarian cancer syndrome; Hereditary breast and ovarian cancer. Identifiers: Orphanet 145, MedGen C0677776, MeSH D061325, MONDO:0003582. Disease mechanism: loss of function.

Submission:

Labcorp Genetics (formerly Invitae), Labcorp
Classification: Pathogenic for Hereditary breast ovarian cancer syndrome. Last evaluated: 2022-07-05. Review status: criteria provided, single submitter. Criteria: Invitae Variant Classification Sherloc (09022015). Collection method: clinical testing. Allele origin: germline.
Comment: This variant disrupts the nuclear localization signal, DNA binding domain and coiled-coil domain of BRCA1, which mediate interactions with RAD51, RAD50 and PALB2 (PMID: 25652403, 22737296). While functional studies have not been performed to directly test the effect of this variant on BRCA1 protein function, this suggests that disruption of this region of the protein is causative of disease. This variant has not been reported in the literature in individuals affected with BRCA1-related conditions. This variant is a gross deletion of the genomic region encompassing exon(s) 8-12 of the BRCA1 gene. This variant would be expected to be in-frame, preserving the integrity of the reading frame. For these reasons, this variant has been classified as Pathogenic. This variant disrupts a region of the BRCA1 protein in which other variant(s) (p.Met1411Thr) have been determined to be pathogenic (PMID: 1474686, 19369211, 24845084, 28398198, 28781887, 30765603; external communication). This suggests that this is a clinically significant region of the protein, and that variants that disrupt it are likely to be disease-causing.

Literature cited by the submitters: PubMed 25652403; PubMed 22737296; PubMed 1474686; PubMed 19369211; PubMed 24845084; PubMed 28398198; PubMed 28781887; PubMed 30765603.

NC_000017.10:g.(?_41234401)_(41249326_?)del

Gene: BRCA1 (BRCA1 DNA repair associated; minus strand). Cytogenetic location: 17q21.31.
Variant type: Deletion.
Identifiers: ClinVar variation 1066580 (VCV001066580.3).